The following is an entry in ClinVar:

ClinVar aggregate classification (germline): Likely benign. Review status: criteria provided, multiple submitters, no conflicts (2 of 4 stars). 4 submissions from 4 submitters: Likely benign (3). 1 of the submissions does not count toward it. Last evaluated 2025-08-10.

Conditions:
Inborn genetic diseases. Identifiers: MedGen C0950123, MeSH D030342.
RAI1-related disorder. Also called: RAI1-related condition.

Allele frequency attached by ClinVar (database versions not stated): ExAC 0.00002; gnomAD 0.00002; TOPMed 0.00006.
gnomAD v4.1: 44 of 1,613,318 alleles (0.0027%); highest among the groups gnomAD compares: Admixed American, 0.0083%; no homozygotes.

Submissions (4):

Labcorp Genetics (formerly Invitae), Labcorp
Classification: Likely benign. Last evaluated: 2025-08-10. Review status: criteria provided, single submitter. Criteria: Invitae Variant Classification Sherloc (09022015). Collection method: clinical testing. Allele origin: germline.

CeGaT Center for Human Genetics Tuebingen
Classification: Likely benign. Last evaluated: 2022-03-01. Review status: criteria provided, single submitter. Criteria: CeGaT Center For Human Genetics Tuebingen Variant Classification Criteria Version 2. Collection method: clinical testing. Allele origin: germline. Affected: yes. Observed: 1 variant allele.
Comment: RAI1: BP4, BP7

Ambry Genetics
Classification: Likely benign for Inborn genetic diseases. Last evaluated: 2017-09-28. Review status: criteria provided, single submitter. Criteria: Ambry Variant Classification Scheme 2023. Collection method: clinical testing. Allele origin: germline.

PreventionGenetics, part of Exact Sciences
Classification: Likely benign for RAI1-related condition. Last evaluated: 2024-08-06. Review status: no assertion criteria provided. Collection method: clinical testing. Allele origin: germline. Not counted in ClinVar's aggregate classification.
Comment: This variant is classified as likely benign based on ACMG/AMP sequence variant interpretation guidelines (Richards et al. 2015 PMID: 25741868, with internal and published modifications).

NM_030665.4(RAI1):c.4296G>A (p.Pro1432=)

Gene: RAI1 (retinoic acid induced 1; plus strand). Cytogenetic location: 17p11.2.
Variant type: single nucleotide variant.
Coding change: c.4296G>A on transcript NM_030665.4 (MANE Select); coding-DNA position 4296, G replaced by A.
Protein change: p.Pro1432=; no amino-acid change (proline 1432 retained).
Molecular consequence: synonymous variant.
Genome position (GRCh38, 1-based): chr17:17,797,244, G>A. VCF-style: chr17-17797244-G-A. GRCh37 (hg19) VCF-style: chr17-17700558-G-A.
Identifiers: ClinVar variation 1739470 (VCV001739470.31), dbSNP rs755678821, ClinGen allele CA8418927.
Genomic context (GRCh38, chr17:17,797,244, plus strand): 5'-CATGAACAGTAAGAAACTGTCTTCTACTGACTGTTTCAAAACCGAGGCCTTCACATCCCC[G>A]GAGGCCCTGCAGCCTGGGGGGACTGCCCTGGCGCCTAAGAAGAGGAGCCGGAAAGGCCGG-3'
Protein context (NP_109590.3, residues 1422-1442): DCFKTEAFTS[Pro1432=]EALQPGGTAL